The following is an entry in ClinVar:

ClinVar aggregate classification (germline): Benign (0 of 4 stars; one submission).

Conditions:
HIVEP3-related disorder. Also called: HIVEP3-related condition.

Allele frequency attached by ClinVar (database versions not stated): ExAC 0.00116; ESP Exome Variant Server 0.00292; gnomAD 0.00350; TOPMed 0.00388; 1000 Genomes Project 0.00399; 1000 Genomes Project 30x 0.00500.
gnomAD v4.1: 1,029 of 1,613,880 alleles (0.064%); highest among the groups gnomAD compares: African/African-American, 1.2%; 2 homozygotes.

Submission:

PreventionGenetics, part of Exact Sciences
Classification: Benign for HIVEP3-related condition. Last evaluated: 2019-06-04. Review status: no assertion criteria provided. Collection method: clinical testing. Allele origin: germline.
Comment: This variant is classified as benign based on ACMG/AMP sequence variant interpretation guidelines (Richards et al. 2015 PMID: 25741868, with internal and published modifications).

NM_024503.5(HIVEP3):c.6623G>A (p.Gly2208Glu)

Gene: HIVEP3 (HIVEP zinc finger 3; minus strand). Cytogenetic location: 1p34.2.
Variant type: single nucleotide variant.
Coding change: c.6623G>A on transcript NM_024503.5 (MANE Select); coding-DNA position 6623, G replaced by A.
Protein change: p.Gly2208Glu; replaces glycine 2208 with glutamic acid.
Molecular consequence: missense variant.
Genome position (GRCh38, 1-based): chr1:41,511,049, C>T on the plus strand (G>A on the coding strand, the complement: HIVEP3 is on the minus strand). VCF-style: chr1-41511049-C-T. GRCh37 (hg19) VCF-style: chr1-41976720-C-T.
Other names: c.6620G>A, p.Gly2207Glu (NM_001127714.3); short protein forms G2207E, G2208E.
Identifiers: ClinVar variation 3044009 (VCV003044009.2), dbSNP rs114044801, ClinGen allele CA797155.